The following is an entry in ClinVar:

ClinVar aggregate classification (germline): Benign/Likely benign. Review status: criteria provided, multiple submitters, no conflicts (2 of 4 stars). 7 submissions from 7 submitters: Benign (1); Likely benign (4). 2 of the submissions do not count toward it. Last evaluated 2026-01-26.

Conditions:
Retinitis pigmentosa 54 (RP54). Identifiers: Orphanet 791, MedGen C3150691, MONDO:0013263, OMIM 613428.
Retinitis pigmentosa (RP). Identifiers: Orphanet 791, MedGen C0035334, MeSH D012174, MONDO:0019200, OMIM 268000. Inheritance: Autosomal dominant, autosomal recessive and X linked inheritance.

Allele frequency attached by ClinVar (database versions not stated): 1000 Genomes Project 30x 0.00109; 1000 Genomes Project 0.00120; ESP Exome Variant Server 0.00237; TOPMed 0.00274; ExAC 0.00276; gnomAD exomes 0.00277 and 0.00283; gnomAD 0.00290 and 0.00296.
gnomAD v4.1: 4,563 of 1,614,152 alleles (0.28%); highest among the groups gnomAD compares: Non-Finnish European, 0.32%; 10 homozygotes.

Submissions (7):

Labcorp Genetics (formerly Invitae), Labcorp
Classification: Benign. Last evaluated: 2026-01-26. Review status: criteria provided, single submitter. Criteria: Invitae Variant Classification Sherloc (09022015). Collection method: clinical testing. Allele origin: germline.

CeGaT Center for Human Genetics Tuebingen
Classification: Likely benign. Last evaluated: 2025-11-01. Review status: criteria provided, single submitter. Criteria: CeGaT Center For Human Genetics Tuebingen Variant Classification Criteria Version 2. Collection method: clinical testing. Allele origin: germline. Affected: yes. Observed: 7 variant alleles.
Comment: PCARE: BP4, BP7

Blueprint Genetics
Classification: Likely benign. Last evaluated: 2024-11-25. Review status: criteria provided, single submitter. Criteria: ACMG Guidelines, 2015. Collection method: clinical testing. Allele origin: germline.

Fulgent Genetics
Classification: Likely benign for Retinitis pigmentosa 54. Last evaluated: 2021-11-16. Review status: criteria provided, single submitter. Criteria: ACMG Guidelines, 2015. Collection method: clinical testing. Allele origin: unknown.

Illumina Laboratory Services, Illumina
Classification: Likely benign for Retinitis pigmentosa. Last evaluated: 2017-04-27. Review status: criteria provided, single submitter. Criteria: ICSL Variant Classification Criteria 13 December 2019. Collection method: clinical testing. Allele origin: germline.
Comment: This variant was observed as part of a predisposition screen in an ostensibly healthy population. A literature search was performed for the gene, cDNA change, and amino acid change (where applicable). No publications were found based on this search. Allele frequency data from public databases allowed determination this variant is unlikely to cause disease. Therefore, this variant is classified as likely benign.

Clinical Genetics DNA and cytogenetics Diagnostics Lab, Erasmus MC, Erasmus Medical Center
Classification: Likely benign. Review status: no assertion criteria provided. Collection method: clinical testing. Allele origin: germline. Affected: yes. Study: VKGL Data-share Consensus. Not counted in ClinVar's aggregate classification.

Clinical Genetics, Academic Medical Center
Classification: Benign. Review status: no assertion criteria provided. Collection method: clinical testing. Allele origin: germline. Affected: yes. Study: VKGL Data-share Consensus. Not counted in ClinVar's aggregate classification.

NM_001029883.3(PCARE):c.3522C>T (p.Asp1174=)

Gene: PCARE (photoreceptor cilium actin regulator; minus strand). Cytogenetic location: 2p23.2.
Variant type: single nucleotide variant.
Coding change: c.3522C>T on transcript NM_001029883.3 (MANE Select); coding-DNA position 3522, C replaced by T.
Protein change: p.Asp1174=; no amino-acid change (aspartic acid 1174 retained).
Molecular consequence: synonymous variant.
Genome position (GRCh38, 1-based): chr2:29,070,740, G>A on the plus strand (C>T on the coding strand, the complement: PCARE is on the minus strand). VCF-style: chr2-29070740-G-A. GRCh37 (hg19) VCF-style: chr2-29293606-G-A.
Identifiers: ClinVar variation 785849 (VCV000785849.43), dbSNP rs188815175, ClinGen allele CA1591909.
Genomic context (GRCh38, chr2:29,070,740, plus strand): 5'-AGCTGTCCTCCTGAGGAAAGGCAGAGGGTTGAGGGCACACAGAGCTGCTCTCCGCTGCGA[G>A]TCTGCTCTCAGCCAAGGCCCTGAGCTGTTCTTCCAGCATTCTGCTGGGTTCCCGAGAGGG-3'
Protein context (NP_001025054.1, residues 1164-1184): KNSSGPWLRA[Asp1174=]SQRRAALCAL